The following is an entry in ClinVar:

NM_001018115.3(FANCD2):c.3962G>C (p.Arg1321Pro)

Genes: FANCD2 (FA complementation group D2; plus strand), FANCD2OS (FANCD2 opposite strand; minus strand). Cytogenetic location: 3p25.3.
Variant type: single nucleotide variant.
Coding change: c.3962G>C on transcript NM_001018115.3 (MANE Select); coding-DNA position 3962, G replaced by C.
Protein change: p.Arg1321Pro; replaces arginine 1321 with proline.
Molecular consequence: missense variant. On other transcripts: intron variant (1).
Genome position (GRCh38, 1-based): chr3:10,094,362, G>C. VCF-style: chr3-10094362-G-C. GRCh37 (hg19) VCF-style: chr3-10136046-G-C.
Other names: c.3962G>C, p.Arg1321Pro (NM_001319984.2, NM_033084.6); c.3851G>C, p.Arg1284Pro (NM_001374253.1); c.3923G>C, p.Arg1308Pro (NM_001374254.1); c.*43+9836C>G (NM_173472.2); short protein forms R1321P, R1284P, R1308P.
Identifiers: ClinVar variation 571261 (VCV000571261.14), dbSNP rs147205530, ClinGen allele CA2250575.

ClinVar aggregate classification (germline): Uncertain significance. Review status: criteria provided, multiple submitters, no conflicts (2 of 4 stars). 5 submissions from 5 submitters: Uncertain significance (5). Last evaluated 2022-10-20.

Conditions:
Fanconi anemia (FA). Also called: Fanconi's anemia. Identifiers: Orphanet 84, MedGen C0015625, MeSH D005199, MONDO:0019391.
Fanconi anemia complementation group D2. Also called: FANCD2-Related Fanconi Anemia; FANCONI PANCYTOPENIA, TYPE 4; FANCONI ANEMIA, COMPLEMENTATION GROUP D. Identifiers: Orphanet 84, MedGen C3160738, MONDO:0009214, OMIM 227646.

Allele frequency attached by ClinVar (database versions not stated): TOPMed 0.00029.
gnomAD v4.1: 134 of 1,612,508 alleles (0.0083%); highest among the groups gnomAD compares: Admixed American, 0.18%; no homozygotes.

Submissions (5):

GeneDx
Classification: Uncertain significance. Last evaluated: 2022-10-20. Review status: criteria provided, single submitter. Criteria: GeneDx Variant Classification Process June 2021. Collection method: clinical testing. Allele origin: germline. Affected: yes.
Comment: In silico analysis supports that this missense variant has a deleterious effect on protein structure/function; Has not been previously published as pathogenic or benign to our knowledge

Labcorp Genetics (formerly Invitae), Labcorp
Classification: Uncertain significance for Fanconi anemia. Last evaluated: 2022-10-15. Review status: criteria provided, single submitter. Criteria: Invitae Variant Classification Sherloc (09022015). Collection method: clinical testing. Allele origin: germline.
Comment: This sequence change replaces arginine, which is basic and polar, with proline, which is neutral and non-polar, at codon 1321 of the FANCD2 protein (p.Arg1321Pro). This variant is present in population databases (rs147205530, gnomAD 0.1%). This variant has not been reported in the literature in individuals affected with FANCD2-related conditions. ClinVar contains an entry for this variant (Variation ID: 571261). Algorithms developed to predict the effect of missense changes on protein structure and function are either unavailable or do not agree on the potential impact of this missense change (SIFT: "Tolerated"; PolyPhen-2: "Probably Damaging"; Align-GVGD: "Class C0"). In summary, the available evidence is currently insufficient to determine the role of this variant in disease. Therefore, it has been classified as a Variant of Uncertain Significance.

Fulgent Genetics
Classification: Uncertain significance for Fanconi anemia complementation group D2. Last evaluated: 2022-03-08. Review status: criteria provided, single submitter. Criteria: ACMG Guidelines, 2015. Collection method: clinical testing. Allele origin: unknown.

Sema4
Classification: Uncertain significance for Fanconi anemia. Last evaluated: 2021-06-13. Review status: criteria provided, single submitter. Criteria: Sema4 Curation Guidelines. Collection method: curation. Allele origin: germline.
Comment: The FANCD2 c.3962G>C (p.R1321P) variant has not been reported in the literature to our knowledge. It was observed in 37/34590 chromosomes in the Latino subpopulation, including 0 homozygotes, in the large and broad cohorts of the Genome Aggregation Database (PMID: 32461654). The variant has been reported in ClinVar (Variation ID: 571261). In silico tools suggest the impact of the variant on protein function is inconclusive, though these predictions have not been confirmed by functional studies. The evidence is insufficient to meet ACMG/AMP criteria for classifying the variant as benign or pathogenic. Thus, the clinical significance of this variant is currently uncertain.

Knight Diagnostic Laboratories, Oregon Health and Sciences University
Classification: Uncertain significance for Fanconi anemia. Last evaluated: 2019-11-27. Review status: criteria provided, single submitter. Criteria: ACMG Guidelines, 2015. Collection method: clinical testing. Allele origin: germline. Observed: 1 variant allele.